The following is an entry in ClinVar:

NM_001349253.2(SCN11A):c.2630G>T (p.Ser877Ile)

Gene: SCN11A (sodium voltage-gated channel alpha subunit 11; minus strand). Cytogenetic location: 3p22.2.
Variant type: single nucleotide variant.
Coding change: c.2630G>T on transcript NM_001349253.2 (MANE Select); coding-DNA position 2630, G replaced by T.
Protein change: p.Ser877Ile; replaces serine 877 with isoleucine.
Molecular consequence: missense variant.
Genome position (GRCh38, 1-based): chr3:38,894,738, C>A on the plus strand (G>T on the coding strand, the complement: SCN11A is on the minus strand). VCF-style: chr3-38894738-C-A. GRCh37 (hg19) VCF-style: chr3-38936229-C-A.
Other names: c.2630G>T, p.Ser877Ile (NM_014139.3); short protein forms S877I.
Identifiers: ClinVar variation 2296601 (VCV002296601.5), dbSNP rs1187591515, ClinGen allele CA352174719.

ClinVar aggregate classification (germline): Uncertain significance. Review status: criteria provided, multiple submitters, no conflicts (2 of 4 stars). 2 submissions from 2 submitters: Uncertain significance (2). Last evaluated 2025-10-28.

Conditions:
Hereditary sensory and autonomic neuropathy type 7. Also called: HSAN VII; Neuropathy, hereditary sensory and autonomic, type VII. Identifiers: Orphanet 391397, MedGen C3809882, MONDO:0014244, OMIM 615548.
Familial episodic pain syndrome with predominantly lower limb involvement. Also called: Episodic pain syndrome, familial, 3. Identifiers: Orphanet 391384, Orphanet 391392, MedGen C3809899, MONDO:0014247, OMIM 615552.
Inborn genetic diseases. Identifiers: MedGen C0950123, MeSH D030342.

Allele frequency attached by ClinVar (database versions not stated): TOPMed 0.00001.
gnomAD v4.1: 3 of 1,614,186 alleles (0.00019%); highest among the groups gnomAD compares: African/African-American, 0.004%; no homozygotes.

Submissions (2):

Ambry Genetics
Classification: Uncertain significance for Inborn genetic diseases. Last evaluated: 2025-10-28. Review status: criteria provided, single submitter. Criteria: Ambry Variant Classification Scheme 2023. Collection method: clinical testing. Allele origin: germline.

Labcorp Genetics (formerly Invitae), Labcorp
Classification: Uncertain significance for Familial episodic pain syndrome with predominantly lower limb involvement; Hereditary sensory and autonomic neuropathy type 7. Last evaluated: 2024-07-30. Review status: criteria provided, single submitter. Criteria: Invitae Variant Classification Sherloc (09022015). Collection method: clinical testing. Allele origin: germline.
Comment: This sequence change replaces serine, which is neutral and polar, with isoleucine, which is neutral and non-polar, at codon 877 of the SCN11A protein (p.Ser877Ile). This variant is present in population databases (no rsID available, gnomAD 0.01%). This variant has not been reported in the literature in individuals affected with SCN11A-related conditions. ClinVar contains an entry for this variant (Variation ID: 2296601). Advanced modeling of protein sequence and biophysical properties (such as structural, functional, and spatial information, amino acid conservation, physicochemical variation, residue mobility, and thermodynamic stability) performed at Invitae indicates that this missense variant is not expected to disrupt SCN11A protein function with a negative predictive value of 80%. In summary, the available evidence is currently insufficient to determine the role of this variant in disease. Therefore, it has been classified as a Variant of Uncertain Significance.